The following is an entry in ClinVar:

ClinVar aggregate classification (germline): Benign/Likely benign. Review status: criteria provided, multiple submitters, no conflicts (2 of 4 stars). 6 submissions from 6 submitters: Benign (1); Likely benign (4). 1 of the submissions does not count toward it. Last evaluated 2025-12-11.

Conditions:
Luscan-Lumish syndrome. Identifiers: Orphanet 597738, MedGen C4085873, MONDO:0014791, OMIM 616831.
SETD2-related disorder.
Inborn genetic diseases. Identifiers: MedGen C0950123, MeSH D030342.

Allele frequency attached by ClinVar (database versions not stated): 1000 Genomes Project 0.00040; 1000 Genomes Project 30x 0.00047; TOPMed 0.00050; gnomAD 0.00064 and 0.00068; gnomAD exomes 0.00064; ExAC 0.00067; ESP Exome Variant Server 0.00085.

Submissions (6):

Labcorp Genetics (formerly Invitae), Labcorp
Classification: Likely benign for Luscan-Lumish syndrome. Last evaluated: 2025-12-11. Review status: criteria provided, single submitter. Criteria: Invitae Variant Classification Sherloc (09022015). Collection method: clinical testing. Allele origin: germline.

CeGaT Center for Human Genetics Tuebingen
Classification: Benign. Last evaluated: 2025-12-01. Review status: criteria provided, single submitter. Criteria: CeGaT Center For Human Genetics Tuebingen Variant Classification Criteria Version 2. Collection method: clinical testing. Allele origin: germline. Affected: yes. Observed: 5 variant alleles.
Comment: SETD2: BS1, BS2

Blueprint Genetics
Classification: Likely benign. Last evaluated: 2024-11-13. Review status: criteria provided, single submitter. Criteria: ACMG Guidelines, 2015. Collection method: clinical testing. Allele origin: germline.

Ambry Genetics
Classification: Likely benign for Inborn genetic diseases. Last evaluated: 2021-06-30. Review status: criteria provided, single submitter. Criteria: Ambry Variant Classification Scheme 2023. Collection method: clinical testing. Allele origin: germline.

Breakthrough Genomics
Classification: Likely benign. Review status: criteria provided, single submitter. Criteria: ACMG Guidelines, 2015. Collection method: not provided. Allele origin: germline. Inheritance: Autosomal dominant inheritance. Affected: yes.

PreventionGenetics, part of Exact Sciences
Classification: Benign for SETD2-related condition. Last evaluated: 2019-09-20. Review status: no assertion criteria provided. Collection method: clinical testing. Allele origin: germline. Not counted in ClinVar's aggregate classification.
Comment: This variant is classified as benign based on ACMG/AMP sequence variant interpretation guidelines (Richards et al. 2015 PMID: 25741868, with internal and published modifications).

NM_014159.7(SETD2):c.5666T>C (p.Met1889Thr)

Gene: SETD2 (SET domain containing 2, histone lysine methyltransferase; minus strand). Cytogenetic location: 3p21.31.
Variant type: single nucleotide variant.
Coding change: c.5666T>C on transcript NM_014159.7 (MANE Select); coding-DNA position 5666, T replaced by C.
Protein change: p.Met1889Thr; replaces methionine 1889 with threonine.
Molecular consequence: missense variant. On other transcripts: non-coding transcript variant (1).
Genome position (GRCh38, 1-based): chr3:47,084,114, A>G on the plus strand (T>C on the coding strand, the complement: SETD2 is on the minus strand). VCF-style: chr3-47084114-A-G. GRCh37 (hg19) VCF-style: chr3-47125604-A-G.
Other names: c.5534T>C, p.Met1845Thr (NM_001349370.3); short protein forms M1889T, M1845T.
Identifiers: ClinVar variation 475526 (VCV000475526.35), dbSNP rs148097513, ClinGen allele CA2362865.